The following is an entry in ClinVar:

ClinVar aggregate classification (germline): Benign. Review status: criteria provided, multiple submitters, no conflicts (2 of 4 stars). 6 submissions from 6 submitters: Benign (6). Last evaluated 2026-02-01.

Conditions:
Hypoparathyroidism, deafness, renal disease syndrome (HDRS). Also called: HYPOPARATHYROIDISM, SENSORINEURAL DEAFNESS, AND RENAL DYSPLASIA SYNDROME. Identifiers: Orphanet 2237, MedGen C1840333, MONDO:0007797, OMIM 146255.

Allele frequency attached by ClinVar (database versions not stated): TOPMed 0.03809; gnomAD exomes 0.00860; gnomAD 0.03418 and 0.03693; 1000 Genomes Project 0.03774; ExAC 0.01053; ESP Exome Variant Server 0.03891; 1000 Genomes Project 30x 0.04107.
gnomAD v4.1: 10,353 of 1,613,222 alleles (0.64%); highest among the groups gnomAD compares: African/African-American, 12%; 603 homozygotes.

Submissions (6):

Labcorp Genetics (formerly Invitae), Labcorp
Classification: Benign. Last evaluated: 2026-02-01. Review status: criteria provided, single submitter. Criteria: Invitae Variant Classification Sherloc (09022015). Collection method: clinical testing. Allele origin: germline.

Mayo Clinic Laboratories, Mayo Clinic
Classification: Benign. Last evaluated: 2023-04-10. Review status: criteria provided, single submitter. Criteria: ACMG Guidelines, 2015. Collection method: clinical testing. Allele origin: germline. Observed: 8 variant alleles.

Illumina Laboratory Services, Illumina
Classification: Benign for Hypoparathyroidism, deafness, renal disease syndrome. Last evaluated: 2018-01-12. Review status: criteria provided, single submitter. Criteria: ICSL Variant Classification Criteria 13 December 2019. Collection method: clinical testing. Allele origin: germline.
Comment: This variant was observed in the ICSL laboratory as part of a predisposition screen in an ostensibly healthy population. It had not been previously curated by ICSL or reported in the Human Gene Mutation Database (HGMD: prior to June 1st, 2018), and was therefore a candidate for classification through an automated scoring system. Utilizing variant allele frequency, disease prevalence and penetrance estimates, and inheritance mode, an automated score was calculated to assess if this variant is too frequent to cause the disease. Based on the score and internal cut-off values, a variant classified as benign is not then subjected to further curation. The score for this variant resulted in a classification of benign for this disease.

GeneDx
Classification: Benign. Last evaluated: 2017-10-09. Review status: criteria provided, single submitter. Criteria: GeneDx Variant Classification (06012015). Collection method: clinical testing. Allele origin: germline. Affected: yes.
Comment: This variant is considered likely benign or benign based on one or more of the following criteria: it is a conservative change, it occurs at a poorly conserved position in the protein, it is predicted to be benign by multiple in silico algorithms, and/or has population frequency not consistent with disease.

Breakthrough Genomics
Classification: Benign. Review status: criteria provided, single submitter. Criteria: ACMG Guidelines, 2015. Collection method: not provided. Allele origin: germline. Inheritance: Autosomal dominant inheritance. Affected: yes.

PreventionGenetics, part of Exact Sciences
Classification: Benign. Review status: criteria provided, single submitter. Criteria: ACMG Guidelines, 2015. Collection method: clinical testing. Allele origin: germline.

NM_001002295.2(GATA3):c.606T>C (p.Arg202=)

Gene: GATA3 (GATA binding protein 3; plus strand). Cytogenetic location: 10p14.
Variant type: single nucleotide variant.
Coding change: c.606T>C on transcript NM_001002295.2 (MANE Select); coding-DNA position 606, T replaced by C.
Protein change: p.Arg202=; no amino-acid change (arginine 202 retained).
Molecular consequence: synonymous variant.
Genome position (GRCh38, 1-based): chr10:8,058,669, T>C. VCF-style: chr10-8058669-T-C. GRCh37 (hg19) VCF-style: chr10-8100632-T-C.
Other names: p.Arg202=; c.606T>C, p.Arg202= (NM_002051.3).
Identifiers: ClinVar variation 256853 (VCV000256853.15), dbSNP rs2228254, ClinGen allele CA5404411.